The following is an entry in ClinVar:

NM_000392.5(ABCC2):c.2246G>T (p.Gly749Val)

Gene: ABCC2 (ATP binding cassette subfamily C member 2; plus strand). Cytogenetic location: 10q24.2.
Variant type: single nucleotide variant.
Coding change: c.2246G>T on transcript NM_000392.5 (MANE Select); coding-DNA position 2246, G replaced by T.
Protein change: p.Gly749Val; replaces glycine 749 with valine.
Molecular consequence: missense variant.
Genome position (GRCh38, 1-based): chr10:99,817,459, G>T. VCF-style: chr10-99817459-G-T. GRCh37 (hg19) VCF-style: chr10-101577216-G-T.
Other names: short protein forms G749V.
Identifiers: ClinVar variation 3668368 (VCV003668368.2).

ClinVar aggregate classification (germline): Uncertain significance (1 of 4 stars; one submission).

Submission:

Labcorp Genetics (formerly Invitae), Labcorp
Classification: Uncertain significance. Last evaluated: 2024-11-11. Review status: criteria provided, single submitter. Criteria: Invitae Variant Classification Sherloc (09022015). Collection method: clinical testing. Allele origin: germline.
Comment: This sequence change replaces glycine, which is neutral and non-polar, with valine, which is neutral and non-polar, at codon 749 of the ABCC2 protein (p.Gly749Val). This variant is not present in population databases (gnomAD no frequency). This variant has not been reported in the literature in individuals affected with ABCC2-related conditions. Invitae Evidence Modeling of protein sequence and biophysical properties (such as structural, functional, and spatial information, amino acid conservation, physicochemical variation, residue mobility, and thermodynamic stability) indicates that this missense variant is expected to disrupt ABCC2 protein function with a positive predictive value of 80%. In summary, the available evidence is currently insufficient to determine the role of this variant in disease. Therefore, it has been classified as a Variant of Uncertain Significance.